The following is an entry in ClinVar:

ClinVar aggregate classification (germline): Uncertain significance. Review status: criteria provided, multiple submitters, no conflicts (2 of 4 stars). 8 submissions from 8 submitters: Uncertain significance (8). Last evaluated 2025-05-21.

Conditions:
Hereditary cancer-predisposing syndrome. Also called: Neoplastic Syndromes, Hereditary; Hereditary neoplastic syndrome; Hereditary Cancer Syndrome; Tumor predisposition. Identifiers: Orphanet 140162, MedGen C0027672, MeSH D009386, MONDO:0015356.
Hereditary breast ovarian cancer syndrome. Also called: Hereditary breast and ovarian cancer; Hereditary breast and ovarian cancer syndrome; BRCA1- and BRCA2-Associated Hereditary Breast and Ovarian Cancer; Hereditary breast and/or ovarian cancer syndrome; Hereditary breast and ovarian cancer syndrome (HBOC); Breast and ovarian cancer. Identifiers: Orphanet 145, MedGen C0677776, MeSH D061325, MONDO:0003582. Disease mechanism: loss of function.
Familial cancer of breast. Also called: hereditary breast carcinoma; Hereditary breast cancer; BREAST CANCER, FAMILIAL. Identifiers: Orphanet 227535, MedGen C0346153, MONDO:0016419, OMIM 114480. Disease mechanism: loss of function.
Breast-ovarian cancer, familial, susceptibility to, 2 (BROVCA2). Also called: BRCA2 Hereditary Breast and Ovarian Cancer. Identifiers: Orphanet 145, MedGen C2675520, MONDO:0012933, OMIM 612555. Disease mechanism: loss of function.

Allele frequency attached by ClinVar (database versions not stated): TOPMed below 0.00001; gnomAD 0.00001.
gnomAD v4.1: 1 of 1,613,422 alleles (0.000062%); no homozygotes.

Submissions (8):

Color Diagnostics, LLC DBA Color Health
Classification: Uncertain significance for Hereditary cancer-predisposing syndrome. Last evaluated: 2025-05-21. Review status: criteria provided, single submitter. Criteria: ACMG Guidelines, 2015. Collection method: clinical testing. Allele origin: germline.
Comment: This missense variant replaces phenylalanine with leucine at codon 101 of the BRCA2 protein. Computational prediction suggests that this variant may not impact protein structure and function. To our knowledge, functional studies have not been reported for this variant. This variant has not been reported in individuals affected with hereditary cancer in the literature. This variant has not been identified in the general population by the Genome Aggregation Database (gnomAD). The available evidence is insufficient to determine the role of this variant in disease conclusively. Therefore, this variant is classified as a Variant of Uncertain Significance.

Center for Genomic Medicine, Rigshospitalet, Copenhagen University Hospital
Classification: Uncertain significance. Last evaluated: 2025-03-04. Review status: criteria provided, single submitter. Criteria: ACMG Guidelines, 2015. Collection method: clinical testing. Allele origin: germline.

Labcorp Genetics (formerly Invitae), Labcorp
Classification: Uncertain significance for Hereditary breast ovarian cancer syndrome. Last evaluated: 2024-09-29. Review status: criteria provided, single submitter. Criteria: Invitae Variant Classification Sherloc (09022015). Collection method: clinical testing. Allele origin: germline.
Comment: This sequence change replaces phenylalanine, which is neutral and non-polar, with leucine, which is neutral and non-polar, at codon 101 of the BRCA2 protein (p.Phe101Leu). This variant is not present in population databases (gnomAD no frequency). This variant has not been reported in the literature in individuals affected with BRCA2-related conditions. ClinVar contains an entry for this variant (Variation ID: 993172). Invitae Evidence Modeling of protein sequence and biophysical properties (such as structural, functional, and spatial information, amino acid conservation, physicochemical variation, residue mobility, and thermodynamic stability) indicates that this missense variant is not expected to disrupt BRCA2 protein function with a negative predictive value of 95%. In summary, the available evidence is currently insufficient to determine the role of this variant in disease. Therefore, it has been classified as a Variant of Uncertain Significance.

Women's Health and Genetics/Laboratory Corporation of America, LabCorp
Classification: Uncertain significance. Last evaluated: 2024-05-05. Review status: criteria provided, single submitter. Criteria: LabCorp Variant Classification Summary - May 2015. Collection method: clinical testing. Allele origin: germline.

Baylor Genetics
Classification: Uncertain significance for Familial cancer of breast. Last evaluated: 2023-10-27. Review status: criteria provided, single submitter. Criteria: ACMG Guidelines, 2015. Collection method: clinical testing. Allele origin: unknown.

Ambry Genetics
Classification: Uncertain significance for Hereditary cancer-predisposing syndrome. Last evaluated: 2023-07-14. Review status: criteria provided, single submitter. Criteria: Ambry Variant Classification Scheme 2023. Collection method: clinical testing. Allele origin: germline.
Comment: The p.F101L variant (also known as c.301T>C), located in coding exon 2 of the BRCA2 gene, results from a T to C substitution at nucleotide position 301. The phenylalanine at codon 101 is replaced by leucine, an amino acid with highly similar properties. This amino acid position is poorly conserved in available vertebrate species. In addition, this alteration is predicted to be tolerated by in silico analysis. Since supporting evidence is limited at this time, the clinical significance of this alteration remains unclear.

All of Us Research Program, National Institutes of Health
Classification: Uncertain significance for Breast-ovarian cancer, familial, susceptibility to, 2. Last evaluated: 2023-06-27. Review status: criteria provided, single submitter. Criteria: ACMG Guidelines, 2015. Collection method: clinical testing. Allele origin: germline. Inheritance: Autosomal dominant inheritance. Observed: 1 variant allele, 1 heterozygote.
Comment: This missense variant replaces phenylalanine with leucine at codon 101 of the BRCA2 protein. Computational prediction suggests that this variant may not impact protein structure and function (internally defined REVEL score threshold <= 0.5, PMID: 27666373). To our knowledge, functional studies have not been reported for this variant. This variant has not been reported in individuals affected with hereditary cancer in the literature. This variant has not been identified in the general population by the Genome Aggregation Database (gnomAD). The available evidence is insufficient to determine the role of this variant in disease conclusively. Therefore, this variant is classified as a Variant of Uncertain Significance.

This study involves interpretation of variants in research participants for the purpose of population health screening. Participant phenotype was not available at the time of variant classification. Additional details can be found in publication PMID: 35346344, PMCID: PMC8962531

Quest Diagnostics Nichols Institute San Juan Capistrano
Classification: Uncertain significance. Last evaluated: 2019-11-07. Review status: criteria provided, single submitter. Criteria: Quest Diagnostics criteria. Collection method: clinical testing. Allele origin: unknown.
Comment: This variant has not been reported in the published literature. The frequency of this variant in the general population, 0.0000066 (1/152196 chromosomes (Genome Aggregation Database)), is uninformative in the assessment of its pathogenicity. Analysis of this variant using bioinformatics tools for the prediction of the effect of amino acid changes on protein structure and function yielded predictions that this variant is benign. Based on the available information, we are unable to determine the clinical significance of this variant.

NM_000059.4(BRCA2):c.301T>C (p.Phe101Leu)

Gene: BRCA2 (BRCA2 DNA repair associated; plus strand). Cytogenetic location: 13q13.1.
Variant type: single nucleotide variant.
Coding change: c.301T>C on transcript NM_000059.4 (MANE Select); coding-DNA position 301, T replaced by C.
Protein change: p.Phe101Leu; replaces phenylalanine 101 with leucine.
Molecular consequence: missense variant.
Genome position (GRCh38, 1-based): chr13:32,319,310, T>C. VCF-style: chr13-32319310-T-C. GRCh37 (hg19) VCF-style: chr13-32893447-T-C.
Other names: short protein forms F101L.
Identifiers: ClinVar variation 993172 (VCV000993172.19), dbSNP rs2072290175, ClinGen allele CA387754675.